The following is an entry in ClinVar:

ClinVar aggregate classification (germline): Pathogenic/Likely pathogenic. Review status: criteria provided, multiple submitters, no conflicts (2 of 4 stars). 2 submissions from 2 submitters: Pathogenic (1); Likely pathogenic (1). Last evaluated 2024-06-15.

Conditions:
Retinitis pigmentosa 43 (RP43). Identifiers: Orphanet 791, MedGen C3151139, MONDO:0013437, OMIM 613810.

Allele frequency attached by ClinVar (database versions not stated): TOPMed below 0.00001; gnomAD 0.00001.
gnomAD v4.1: 4 of 1,611,612 alleles (0.00025%); highest among the groups gnomAD compares: South Asian, 0.0044%; no homozygotes.

Submissions (2):

Fulgent Genetics
Classification: Likely pathogenic for Retinitis pigmentosa 43. Last evaluated: 2024-06-15. Review status: criteria provided, single submitter. Criteria: ACMG Guidelines, 2015. Collection method: clinical testing. Allele origin: germline.

Labcorp Genetics (formerly Invitae), Labcorp
Classification: Pathogenic. Last evaluated: 2024-05-22. Review status: criteria provided, single submitter. Criteria: Invitae Variant Classification Sherloc (09022015). Collection method: clinical testing. Allele origin: germline.
Comment: This sequence change creates a premature translational stop signal (p.Gln239*) in the PDE6A gene. It is expected to result in an absent or disrupted protein product. Loss-of-function variants in PDE6A are known to be pathogenic (PMID: 7493036, 22128245, 23847139). This variant is present in population databases (no rsID available, gnomAD 0.007%). This variant has not been reported in the literature in individuals affected with PDE6A-related conditions. For these reasons, this variant has been classified as Pathogenic.

Literature cited by the submitters: PubMed 7493036 (cited by Labcorp Genetics (formerly Invitae), Labcorp); PubMed 22128245 (cited by Labcorp Genetics (formerly Invitae), Labcorp); PubMed 23847139 (cited by Labcorp Genetics (formerly Invitae), Labcorp).

NM_000440.3(PDE6A):c.715C>T (p.Gln239Ter)

Gene: PDE6A (phosphodiesterase 6A; minus strand). Cytogenetic location: 5q32.
Variant type: single nucleotide variant.
Coding change: c.715C>T on transcript NM_000440.3 (MANE Select); coding-DNA position 715, C replaced by T.
Protein change: p.Gln239Ter; replaces glutamine 239 with a stop codon.
Molecular consequence: nonsense. On other transcripts: intron variant (1).
Genome position (GRCh38, 1-based): chr5:149,933,932, G>A on the plus strand (C>T on the coding strand, the complement: PDE6A is on the minus strand). VCF-style: chr5-149933932-G-A. GRCh37 (hg19) VCF-style: chr5-149313495-G-A.
Other names: c.475-2764C>T (NM_001410788.1); short protein forms Q239*.
Identifiers: ClinVar variation 3007518 (VCV003007518.4), dbSNP rs1366137772, ClinGen allele CA361697772.